The following is an entry in ClinVar:

ClinVar aggregate classification (germline): Likely benign. Review status: criteria provided, multiple submitters, no conflicts (2 of 4 stars). 2 submissions from 2 submitters: Likely benign (2). Last evaluated 2023-07-01.

Allele frequency attached by ClinVar (database versions not stated): TOPMed below 0.00001; gnomAD 0.00001; ExAC 0.00002; gnomAD exomes 0.00002.
gnomAD v4.1: 21 of 1,614,036 alleles (0.0013%); highest among the groups gnomAD compares: East Asian, 0.02%; no homozygotes.

Submissions (2):

CeGaT Center for Human Genetics Tuebingen
Classification: Likely benign. Last evaluated: 2023-07-01. Review status: criteria provided, single submitter. Criteria: CeGaT Center For Human Genetics Tuebingen Variant Classification Criteria Version 2. Collection method: clinical testing. Allele origin: germline. Affected: yes. Observed: 1 variant allele.
Comment: C1S: BP4, BP7

Labcorp Genetics (formerly Invitae), Labcorp
Classification: Likely benign. Last evaluated: 2021-08-06. Review status: criteria provided, single submitter. Criteria: Invitae Variant Classification Sherloc (09022015). Collection method: clinical testing. Allele origin: germline.

NM_001734.5(C1S):c.1611C>T (p.Asp537=)

Gene: C1S (complement C1s; plus strand). Cytogenetic location: 12p13.31.
Variant type: single nucleotide variant.
Coding change: c.1611C>T on transcript NM_001734.5 (MANE Select); coding-DNA position 1611, C replaced by T.
Protein change: p.Asp537=; no amino-acid change (aspartic acid 537 retained).
Molecular consequence: synonymous variant.
Genome position (GRCh38, 1-based): chr12:7,070,195, C>T. VCF-style: chr12-7070195-C-T. GRCh37 (hg19) VCF-style: chr12-7177499-C-T.
Other names: c.1110C>T, p.Asp370= (NM_001346850.2); c.1611C>T, p.Asp537= (NM_201442.4).
Identifiers: ClinVar variation 1576378 (VCV001576378.32), dbSNP rs782204393, ClinGen allele CA6423816.